The following is an entry in ClinVar:

ClinVar aggregate classification (germline): Uncertain significance (1 of 4 stars; one submission).

Allele frequency attached by ClinVar (database versions not stated): gnomAD 0.00001; gnomAD exomes 0.00001.
gnomAD v4.1: 9 of 1,613,012 alleles (0.00056%); highest among the groups gnomAD compares: African/African-American, 0.0013%; no homozygotes.

Submission:

Labcorp Genetics (formerly Invitae), Labcorp
Classification: Uncertain significance. Last evaluated: 2025-10-13. Review status: criteria provided, single submitter. Criteria: Invitae Variant Classification Sherloc (09022015). Collection method: clinical testing. Allele origin: germline.
Comment: This sequence change replaces isoleucine, which is neutral and non-polar, with threonine, which is neutral and polar, at codon 365 of the CHRM2 protein (p.Ile365Thr). This variant is not present in population databases (gnomAD no frequency). This variant has not been reported in the literature in individuals affected with CHRM2-related conditions. ClinVar contains an entry for this variant (Variation ID: 963110). An algorithm developed to predict the effect of missense changes on protein structure and function (PolyPhen-2) suggests that this variant is likely to be tolerated. In summary, the available evidence is currently insufficient to determine the role of this variant in disease. Therefore, it has been classified as a Variant of Uncertain Significance.

NM_001006630.2(CHRM2):c.1094T>C (p.Ile365Thr)

Genes: CHRM2 (cholinergic receptor muscarinic 2; plus strand), LOC349160 (uncharacterized LOC349160; minus strand). Cytogenetic location: 7q33.
Variant type: single nucleotide variant.
Coding change: c.1094T>C on transcript NM_001006630.2 (MANE Select); coding-DNA position 1094, T replaced by C.
Protein change: p.Ile365Thr; replaces isoleucine 365 with threonine.
Molecular consequence: missense variant.
Genome position (GRCh38, 1-based): chr7:137,015,959, T>C. VCF-style: chr7-137015959-T-C. GRCh37 (hg19) VCF-style: chr7-136700706-T-C.
Other names: c.1094T>C, p.Ile365Thr (NM_000739.3, NM_001006626.3, NM_001006627.3 and 6 more transcripts); short protein forms I365T.
Identifiers: ClinVar variation 963110 (VCV000963110.9), dbSNP rs1805158684, ClinGen allele CA369487949.